The following is an entry in ClinVar:

ClinVar aggregate classification (germline): Uncertain significance (1 of 4 stars; one submission).

Submission:

Geisinger Autism and Developmental Medicine Institute, Geisinger Health System
Classification: Uncertain significance. Last evaluated: 2018-04-13. Review status: criteria provided, single submitter. Criteria: ACMG CNV Guidelines, 2011. Collection method: provider interpretation. Allele origin: maternal.
Comment: This duplication includes a portion of VCX3A and VCX2, and the entirety of HDHD1, STS, VCX, and PNPLA4. Identical duplications in this region have been reported with conflicting reported pathogenicity (benign-pathogenic) in individuals with features including developmental delay, seizures, autism spectrum disorder, and intellectual disability. The clinical significance of three copies of these genes remains unclear at this time.

Literature cited by the submitters: PubMed 24800990; PubMed 21355048; PubMed 20132918.

Single allele

Genes: PNPLA4 (patatin like domain 4, phospholipase and triacylglycerol lipase; minus strand), PUDP (pseudouridine 5'-phosphatase; minus strand), STS (steroid sulfatase; plus strand), VCX (variable charge X-linked; plus strand), VCX2 (variable charge X-linked 2; minus strand) and 1 more. Cytogenetic location: Xp22.31.
Variant type: Duplication.
Identifiers: ClinVar variation 560153 (VCV000560153.3).